The following is an entry in ClinVar:

NM_012281.3(KCND2):c.14T>G (p.Val5Gly)

Gene: KCND2 (potassium voltage-gated channel subfamily D member 2; plus strand). Cytogenetic location: 7q31.31.
Variant type: single nucleotide variant.
Coding change: c.14T>G on transcript NM_012281.3 (MANE Select); coding-DNA position 14, T replaced by G.
Protein change: p.Val5Gly; replaces valine 5 with glycine.
Molecular consequence: missense variant.
Genome position (GRCh38, 1-based): chr7:120,274,646, T>G. VCF-style: chr7-120274646-T-G. GRCh37 (hg19) VCF-style: chr7-119914700-T-G.
Other names: short protein forms V5G.
Identifiers: ClinVar variation 2878487 (VCV002878487.3), dbSNP rs771878302, ClinGen allele CA4453443.

ClinVar aggregate classification (germline): Uncertain significance (1 of 4 stars; one submission).

Conditions:
Early Myoclonic Encephalopathy. Identifiers: MedGen C0270855.

Allele frequency attached by ClinVar (database versions not stated): ExAC 0.00002.

Submission:

Labcorp Genetics (formerly Invitae), Labcorp
Classification: Uncertain significance for Early Myoclonic Encephalopathy. Last evaluated: 2023-09-25. Review status: criteria provided, single submitter. Criteria: Invitae Variant Classification Sherloc (09022015). Collection method: clinical testing. Allele origin: germline.
Comment: The frequency data for this variant in the population databases is considered unreliable, as metrics indicate poor data quality at this position in the gnomAD database. This sequence change replaces valine, which is neutral and non-polar, with glycine, which is neutral and non-polar, at codon 5 of the KCND2 protein (p.Val5Gly). This variant has not been reported in the literature in individuals affected with KCND2-related conditions. In summary, the available evidence is currently insufficient to determine the role of this variant in disease. Therefore, it has been classified as a Variant of Uncertain Significance. Advanced modeling of protein sequence and biophysical properties (such as structural, functional, and spatial information, amino acid conservation, physicochemical variation, residue mobility, and thermodynamic stability) has been performed at Invitae for this missense variant, however the output from this modeling did not meet the statistical confidence thresholds required to predict the impact of this variant on KCND2 protein function.